The following is an entry in ClinVar:

ClinVar aggregate classification (germline): Likely benign. Review status: criteria provided, single submitter (1 of 4 stars). 2 submissions from 2 submitters: Likely benign (1). 1 of the submissions does not count toward it. Last evaluated 2025-11-16.

Conditions:
PIEZO2-related disorder. Also called: PIEZO2-related disorders; PIEZO2-related condition.

Allele frequency attached by ClinVar (database versions not stated): gnomAD exomes 0.00011 and 0.00032; 1000 Genomes Project 0.00040; 1000 Genomes Project 30x 0.00047; ExAC 0.00054; ESP Exome Variant Server 0.00066; gnomAD 0.00142 and 0.00158; TOPMed 0.00159.
gnomAD v4.1: 381 of 1,529,306 alleles (0.025%); highest among the groups gnomAD compares: African/African-American, 0.47%; 3 homozygotes.

Submissions (2):

Labcorp Genetics (formerly Invitae), Labcorp
Classification: Likely benign. Last evaluated: 2025-11-16. Review status: criteria provided, single submitter. Criteria: Invitae Variant Classification Sherloc (09022015). Collection method: clinical testing. Allele origin: germline.

PreventionGenetics, part of Exact Sciences
Classification: Likely benign for PIEZO2-related condition. Last evaluated: 2019-09-25. Review status: no assertion criteria provided. Collection method: clinical testing. Allele origin: germline. Not counted in ClinVar's aggregate classification.
Comment: This variant is classified as likely benign based on ACMG/AMP sequence variant interpretation guidelines (Richards et al. 2015 PMID: 25741868, with internal and published modifications).

NM_001378183.1(PIEZO2):c.3930C>T (p.Tyr1310=)

Gene: PIEZO2 (piezo type mechanosensitive ion channel component 2; minus strand). Cytogenetic location: 18p11.22.
Variant type: single nucleotide variant.
Coding change: c.3930C>T on transcript NM_001378183.1 (MANE Select); coding-DNA position 3930, C replaced by T.
Protein change: p.Tyr1310=; no amino-acid change (tyrosine 1310 retained).
Molecular consequence: synonymous variant.
Genome position (GRCh38, 1-based): chr18:10,752,873, G>A on the plus strand (C>T on the coding strand, the complement: PIEZO2 is on the minus strand). VCF-style: chr18-10752873-G-A. GRCh37 (hg19) VCF-style: chr18-10752871-G-A.
Other names: c.3855C>T, p.Tyr1285= (NM_022068.4).
Identifiers: ClinVar variation 727855 (VCV000727855.11), dbSNP rs146505222, ClinGen allele CA8892481.